The following is an entry in ClinVar:

NM_000718.4(CACNA1B):c.1521G>A (p.Pro507=)

Gene: CACNA1B (calcium voltage-gated channel subunit alpha1 B; plus strand). Cytogenetic location: 9q34.3.
Variant type: single nucleotide variant.
Coding change: c.1521G>A on transcript NM_000718.4 (MANE Select); coding-DNA position 1521, G replaced by A.
Protein change: p.Pro507=; no amino-acid change (proline 507 retained).
Molecular consequence: synonymous variant.
Genome position (GRCh38, 1-based): chr9:137,971,570, G>A. VCF-style: chr9-137971570-G-A. GRCh37 (hg19) VCF-style: chr9-140866022-G-A.
Other names: c.1521G>A, p.Pro507= (NM_001243812.2).
Identifiers: ClinVar variation 2072210 (VCV002072210.11), dbSNP rs199721953, ClinGen allele CA5376184.

ClinVar aggregate classification (germline): Likely benign. Review status: criteria provided, multiple submitters, no conflicts (2 of 4 stars). 2 submissions from 2 submitters: Likely benign (2). Last evaluated 2025-10-02.

Allele frequency attached by ClinVar (database versions not stated): ExAC 0.00006; TOPMed 0.00011; gnomAD 0.00013; 1000 Genomes Project 0.00020; 1000 Genomes Project 30x 0.00031.
gnomAD v4.1: 334 of 1,613,318 alleles (0.021%); highest among the groups gnomAD compares: Non-Finnish European, 0.027%; no homozygotes.

Submissions (2):

Labcorp Genetics (formerly Invitae), Labcorp
Classification: Likely benign. Last evaluated: 2025-10-02. Review status: criteria provided, single submitter. Criteria: Invitae Variant Classification Sherloc (09022015). Collection method: clinical testing. Allele origin: germline.

CeGaT Center for Human Genetics Tuebingen
Classification: Likely benign. Last evaluated: 2025-09-01. Review status: criteria provided, single submitter. Criteria: CeGaT Center For Human Genetics Tuebingen Variant Classification Criteria Version 2. Collection method: clinical testing. Allele origin: germline. Affected: yes. Observed: 1 variant allele.
Comment: CACNA1B: BP4, BP7